The following is an entry in ClinVar:

ClinVar aggregate classification (germline): Pathogenic (1 of 4 stars; one submission).

Submission:

Labcorp Genetics (formerly Invitae), Labcorp
Classification: Pathogenic. Last evaluated: 2022-03-19. Review status: criteria provided, single submitter. Criteria: Invitae Variant Classification Sherloc (09022015). Collection method: clinical testing. Allele origin: germline.
Comment: This sequence change creates a premature translational stop signal (p.Glu166Argfs*30) in the GNAT2 gene. It is expected to result in an absent or disrupted protein product. Loss-of-function variants in GNAT2 are known to be pathogenic (PMID: 12077706). This variant is not present in population databases (gnomAD no frequency). This variant has not been reported in the literature in individuals affected with GNAT2-related conditions. For these reasons, this variant has been classified as Pathogenic.

Literature cited by the submitters: PubMed 12077706.

NM_001377295.2(GNAT2):c.495_496insAG (p.Glu166fs)

Gene: GNAT2 (G protein subunit alpha transducin 2; minus strand). Cytogenetic location: 1p13.3.
Variant type: Insertion.
Coding change: c.495_496insAG on transcript NM_001377295.2 (MANE Select); coding-DNA positions 495 to 496, AG inserted.
Protein change: p.Glu166fs; shifts the reading frame from glutamic acid 166.
Molecular consequence: frameshift variant.
Genome position: GRCh38 VCF-style: chr1-109606402-C-CCT. GRCh37 (hg19) VCF-style: chr1-110149024-C-CCT.
Other names: c.495_496insAG, p.Glu166fs (NM_001379232.1, NM_005272.5); short protein forms E166fs.
Identifiers: ClinVar variation 2102140 (VCV002102140.4), dbSNP rs2524338502, ClinGen allele CA2580060790.
Genomic context (GRCh38, chr1:109,606,402, plus strand): 5'-CAATGATGCCCGTGGTTTTGACTCTGGATCGGAGCACATCTTGCTCACTAGGGAGGTACT[C>CCT]AGGGTCTGTAATTCGTTCTAATTGGTTCAGGTAGCTAGAGAAAAGTGATTAGCATCAATG-3'